The following is an entry in ClinVar:

NM_000540.3(RYR1):c.12992C>T (p.Ala4331Val)

Gene: RYR1 (ryanodine receptor 1; plus strand). Cytogenetic location: 19q13.2.
Variant type: single nucleotide variant.
Coding change: c.12992C>T on transcript NM_000540.3 (MANE Select); coding-DNA position 12992, C replaced by T.
Protein change: p.Ala4331Val; replaces alanine 4331 with valine.
Molecular consequence: missense variant.
Genome position (GRCh38, 1-based): chr19:38,565,326, C>T. VCF-style: chr19-38565326-C-T. GRCh37 (hg19) VCF-style: chr19-39055966-C-T.
Other names: c.12977C>T, p.Ala4326Val (NM_001042723.2); short protein forms A4326V, A4331V.
Identifiers: ClinVar variation 2863872 (VCV002863872.3), dbSNP rs2514677907, ClinGen allele CA405672892.

ClinVar aggregate classification (germline): Uncertain significance (1 of 4 stars; one submission).

Conditions:
RYR1-related disorder. Also called: RYR1-related condition; RYR1-related disorders. Identifiers: MedGen CN239331.

Submission:

Labcorp Genetics (formerly Invitae), Labcorp
Classification: Uncertain significance for RYR1-related disorder. Last evaluated: 2025-03-15. Review status: criteria provided, single submitter. Criteria: Invitae Variant Classification Sherloc (09022015). Collection method: clinical testing. Allele origin: germline.
Comment: This sequence change replaces alanine, which is neutral and non-polar, with valine, which is neutral and non-polar, at codon 4331 of the RYR1 protein (p.Ala4331Val). This variant is not present in population databases (gnomAD no frequency). This variant has not been reported in the literature in individuals affected with RYR1-related conditions. ClinVar contains an entry for this variant (Variation ID: 2863872). Invitae Evidence Modeling of protein sequence and biophysical properties (such as structural, functional, and spatial information, amino acid conservation, physicochemical variation, residue mobility, and thermodynamic stability) indicates that this missense variant is not expected to disrupt RYR1 protein function with a negative predictive value of 80%. In summary, the available evidence is currently insufficient to determine the role of this variant in disease. Therefore, it has been classified as a Variant of Uncertain Significance.